The following is an entry in ClinVar:

ClinVar aggregate classification (germline): Uncertain significance (1 of 4 stars; one submission).

Submission:

Labcorp Genetics (formerly Invitae), Labcorp
Classification: Uncertain significance. Last evaluated: 2022-03-10. Review status: criteria provided, single submitter. Criteria: Invitae Variant Classification Sherloc (09022015). Collection method: clinical testing. Allele origin: germline.
Comment: In summary, the available evidence is currently insufficient to determine the role of this variant in disease. Therefore, it has been classified as a Variant of Uncertain Significance. Experimental studies and prediction algorithms are not available or were not evaluated, and the functional significance of this variant is currently unknown. This variant has not been reported in the literature in individuals affected with APOA1-related conditions. This variant is not present in population databases (gnomAD no frequency). This sequence change creates a premature translational stop signal (p.Glu193*) in the APOA1 gene. While this is not anticipated to result in nonsense mediated decay, it is expected to disrupt the last 75 amino acid(s) of the APOA1 protein.

NM_000039.3(APOA1):c.577G>T (p.Glu193Ter)

Gene: APOA1 (apolipoprotein A1; minus strand). Cytogenetic location: 11q23.3.
Variant type: single nucleotide variant.
Coding change: c.577G>T on transcript NM_000039.3 (MANE Select); coding-DNA position 577, G replaced by T.
Protein change: p.Glu193Ter; replaces glutamic acid 193 with a stop codon.
Molecular consequence: nonsense.
Genome position (GRCh38, 1-based): chr11:116,836,035, C>A on the plus strand (G>T on the coding strand, the complement: APOA1 is on the minus strand). VCF-style: chr11-116836035-C-A. GRCh37 (hg19) VCF-style: chr11-116706751-C-A.
Other names: c.577G>T, p.Glu193Ter (NM_001318017.2, NM_001318018.2); c.250G>T, p.Glu84Ter (NM_001318021.2); short protein forms E193*, E84*.
Identifiers: ClinVar variation 2108457 (VCV002108457.4), dbSNP rs746067683, ClinGen allele CA382715141.